The following is an entry in ClinVar:

NM_001374259.2(IL12RB2):c.1535T>C (p.Ile512Thr)

Gene: IL12RB2 (interleukin 12 receptor subunit beta 2; plus strand). Cytogenetic location: 1p31.3.
Variant type: single nucleotide variant.
Coding change: c.1535T>C on transcript NM_001374259.2 (MANE Select); coding-DNA position 1535, T replaced by C.
Protein change: p.Ile512Thr; replaces isoleucine 512 with threonine.
Molecular consequence: missense variant. On other transcripts: non-coding transcript variant (2), intron variant (1).
Genome position (GRCh38, 1-based): chr1:67,372,511, T>C. VCF-style: chr1-67372511-T-C. GRCh37 (hg19) VCF-style: chr1-67838194-T-C.
Other names: c.1535T>C, p.Ile512Thr (NM_001258214.1, NM_001258216.1, NM_001319233.1 and 1 more transcripts); c.1459+4486T>C (NM_001258215.1); short protein forms I512T.
Identifiers: ClinVar variation 2186661 (VCV002186661.4), dbSNP rs2523270708, ClinGen allele CA340729286.

ClinVar aggregate classification (germline): Uncertain significance (1 of 4 stars; one submission).

Allele frequency attached by ClinVar (database versions not stated): gnomAD exomes below 0.00001.
gnomAD v4.1: 1 of 1,604,728 alleles (0.000062%); highest among the groups gnomAD compares: Non-Finnish European, 0.000085%; no homozygotes.

Submission:

Labcorp Genetics (formerly Invitae), Labcorp
Classification: Uncertain significance. Last evaluated: 2022-07-19. Review status: criteria provided, single submitter. Criteria: Invitae Variant Classification Sherloc (09022015). Collection method: clinical testing. Allele origin: germline.
Comment: In summary, the available evidence is currently insufficient to determine the role of this variant in disease. Therefore, it has been classified as a Variant of Uncertain Significance. Algorithms developed to predict the effect of missense changes on protein structure and function output the following: SIFT: "Tolerated"; PolyPhen-2: "Benign"; Align-GVGD: "Class C0". The threonine amino acid residue is found in multiple mammalian species, which suggests that this missense change does not adversely affect protein function. This variant has not been reported in the literature in individuals affected with IL12RB2-related conditions. This variant is not present in population databases (gnomAD no frequency). This sequence change replaces isoleucine, which is neutral and non-polar, with threonine, which is neutral and polar, at codon 512 of the IL12RB2 protein (p.Ile512Thr).